The following is an entry in ClinVar:

NM_000125.4(ESR1):c.453-351A>G

Gene: ESR1 (estrogen receptor 1; plus strand). Cytogenetic location: 6q25.1.
Variant type: single nucleotide variant.
Coding change: c.453-351A>G on transcript NM_000125.4 (MANE Select); 351 bases into the intron before coding-DNA position 453, A replaced by G.
Molecular consequence: intron variant.
Genome position (GRCh38, 1-based): chr6:151,842,246, A>G. VCF-style: chr6-151842246-A-G. GRCh37 (hg19) VCF-style: chr6-152163381-A-G.
Other names: c.453-351A>G (NM_000125.3, NM_001385568.1, NM_001122742.2 and 8 more transcripts); c.-67-351A>G (NM_001328100.2).
Identifiers: ClinVar variation 3899918 (VCV003899918.2).

ClinVar aggregate classification (germline): Uncertain significance. Review status: criteria provided, single submitter (1 of 4 stars). 2 submissions from 2 submitters: Uncertain significance (1). 1 of the submissions does not count toward it.

Conditions:
Estrogen resistance syndrome. Also called: Estrogen resistance; ESTROGEN INSENSITIVITY. Identifiers: Orphanet 785, MedGen C3809250, MONDO:0014148, OMIM 615363.
Scoliosis, isolated, susceptibility to, 1 (IS1). Also called: ADOLESCENT ISOLATED SCOLIOSIS. Identifiers: MedGen C2700406, MONDO:0008419, OMIM 181800.

gnomAD v4.1: 47,801 of 151,976 alleles (31%); highest among the groups gnomAD compares: Middle Eastern, 41%; 7,698 homozygotes.

Submissions (2):

Dr. Orhan Ocalgiray Molecular Biology-Biotechnology and Genetics Research Centre (MOBGAM), Istanbul Technical University
Classification: Uncertain significance for Scoliosis, isolated, susceptibility to, 1. Review status: criteria provided, single submitter. Criteria: ACMG Guidelines, 2015. Collection method: research. Allele origin: germline. Inheritance: Autosomal dominant inheritance. Affected: yes. Observed: 1 variant allele, 1 heterozygote.
Comment: The intronic ESR1 variant c.453-351A>G has been associated in previous studies as a severity modifier in scoliosis, particularly in individuals also carrying POC5 variants. It is common in multiple populations (SAS freq 0.3677; global max 0.4082 in Middle Eastern populations) and has a low CADD score (7.09). However, in this context, the variant was present in affected individual and absent in some unaffected carriers of POC5, consistent with a modifier role. Given this, it may be classified as pathogenic with POC5 variants.

Central Laboratory, Jiangxi Maternal and Child Health Hospital
Classification: Likely benign for Estrogen resistance syndrome. Review status: no assertion criteria provided. Collection method: case-control. Allele origin: germline. Not counted in ClinVar's aggregate classification.